The following is an entry in ClinVar:

NM_001122681.2(SH3BP2):c.886T>C (p.Cys296Arg)

Gene: SH3BP2 (SH3 domain binding protein 2; plus strand). Cytogenetic location: 4p16.3.
Variant type: single nucleotide variant.
Coding change: c.886T>C on transcript NM_001122681.2 (MANE Select); coding-DNA position 886, T replaced by C.
Protein change: p.Cys296Arg; replaces cysteine 296 with arginine.
Molecular consequence: missense variant.
Genome position (GRCh38, 1-based): chr4:2,829,792, T>C. VCF-style: chr4-2829792-T-C. GRCh37 (hg19) VCF-style: chr4-2831519-T-C.
Other names: c.970T>C, p.Cys324Arg (NM_001145855.2); c.1057T>C, p.Cys353Arg (NM_001145856.2); c.886T>C, p.Cys296Arg (NM_003023.4); short protein forms C353R, C296R, C324R.
Identifiers: ClinVar variation 1374377 (VCV001374377.6), dbSNP rs1724878185, ClinGen allele CA356056319.

ClinVar aggregate classification (germline): Uncertain significance (1 of 4 stars; one submission).

Conditions:
Fibrous dysplasia of jaw (CRBM). Also called: Cherubism. Identifiers: Orphanet 184, MedGen C0008029, MONDO:0007315, OMIM 118400.

Allele frequency attached by ClinVar (database versions not stated): gnomAD exomes below 0.00001; gnomAD 0.00001.
gnomAD v4.1: 2 of 1,613,062 alleles (0.00012%); highest among the groups gnomAD compares: East Asian, 0.0022%; no homozygotes.

Submission:

Labcorp Genetics (formerly Invitae), Labcorp
Classification: Uncertain significance for Fibrous dysplasia of jaw. Last evaluated: 2021-08-12. Review status: criteria provided, single submitter. Criteria: Invitae Variant Classification Sherloc (09022015). Collection method: clinical testing. Allele origin: germline.
Comment: In summary, the available evidence is currently insufficient to determine the role of this variant in disease. Therefore, it has been classified as a Variant of Uncertain Significance. Algorithms developed to predict the effect of missense changes on protein structure and function are either unavailable or do not agree on the potential impact of this missense change (SIFT: "Deleterious"; PolyPhen-2: "Possibly Damaging"; Align-GVGD: "Class C0"). This variant has not been reported in the literature in individuals affected with SH3BP2-related conditions. This variant is not present in population databases (ExAC no frequency). This sequence change replaces cysteine with arginine at codon 296 of the SH3BP2 protein (p.Cys296Arg). The cysteine residue is moderately conserved and there is a large physicochemical difference between cysteine and arginine.